The following is an entry in ClinVar:

NM_001276270.2(MBD4):c.1628G>A (p.Cys543Tyr)

Gene: MBD4 (methyl-CpG binding domain 4, DNA glycosylase; minus strand). Cytogenetic location: 3q21.3.
Variant type: single nucleotide variant.
Coding change: c.1628G>A on transcript NM_001276270.2 (MANE Select); coding-DNA position 1628, G replaced by A.
Protein change: p.Cys543Tyr; replaces cysteine 543 with tyrosine.
Molecular consequence: missense variant. On other transcripts: intron variant (1).
Genome position (GRCh38, 1-based): chr3:129,432,522, C>T on the plus strand (G>A on the coding strand, the complement: MBD4 is on the minus strand). VCF-style: chr3-129432522-C-T. GRCh37 (hg19) VCF-style: chr3-129151365-C-T.
Other names: c.1646G>A, p.Cys549Tyr (NM_001276271.2, NM_003925.3); c.692G>A, p.Cys231Tyr (NM_001276273.2); c.1612+34G>A (NM_001276272.2); short protein forms C543Y, C231Y, C549Y.
Identifiers: ClinVar variation 3664307 (VCV003664307.2).
Genomic context (GRCh38, chr3:129,432,522, plus strand): 5'-GAGACCAAATGTGCTGAATTATGGATGGGAGTGAGCCTCACCTGCTTCCACTCATTGACA[C>T]AAAAAATTCGGTAAGAGTCGTTGCCATATTTACCAATCCCATGAAGCTCAATTGGATACT-3'
Protein context (NP_001263199.1, residues 533-553): KYGNDSYRIF[Cys543Tyr]VNEWKQVHPE

ClinVar aggregate classification (germline): Uncertain significance (1 of 4 stars; one submission).

Submission:

Labcorp Genetics (formerly Invitae), Labcorp
Classification: Uncertain significance. Last evaluated: 2024-09-03. Review status: criteria provided, single submitter. Criteria: Invitae Variant Classification Sherloc (09022015). Collection method: clinical testing. Allele origin: germline.
Comment: This sequence change replaces cysteine, which is neutral and slightly polar, with tyrosine, which is neutral and polar, at codon 549 of the MBD4 protein (p.Cys549Tyr). This variant is not present in population databases (gnomAD no frequency). This variant has not been reported in the literature in individuals affected with MBD4-related conditions. An algorithm developed to predict the effect of missense changes on protein structure and function (PolyPhen-2) suggests that this variant is likely to be disruptive. In summary, the available evidence is currently insufficient to determine the role of this variant in disease. Therefore, it has been classified as a Variant of Uncertain Significance.